The following is an entry in ClinVar:

NM_058004.4(PI4KA):c.2751del (p.Cys918fs)

Gene: PI4KA (phosphatidylinositol 4-kinase alpha; minus strand). Cytogenetic location: 22q11.21.
Variant type: Deletion.
Coding change: c.2751del on transcript NM_058004.4 (MANE Select); coding-DNA position 2751, one base deleted (C; older notation c.2751delC).
Protein change: p.Cys918fs; shifts the reading frame from cysteine 918.
Molecular consequence: frameshift variant.
Genome position (GRCh38, 1-based): chr22:20,761,344, G deleted on the plus strand (C on the coding strand, the reverse complement: PI4KA is on the minus strand). VCF-style (leftmost placement, unchanged base first): chr22-20761343-AG-A. GRCh37 (hg19) VCF-style: chr22-21115631-AG-A.
Other names: c.2751del, p.Cys918fs (NM_001362862.2); c.2685del, p.Cys896fs (NM_001362863.2); short protein forms C896fs, C918fs.
Identifiers: ClinVar variation 1710377 (VCV001710377.3), dbSNP rs2518145912, ClinGen allele CA2580099144.

ClinVar aggregate classification (germline): Likely pathogenic (1 of 4 stars; one submission).

Conditions:
PI4KA-related disorder. Also called: PI4KA-related condition; PI4KA-related disorders. Identifiers: MedGen CN378147, MONDO:1040012.

Submission:

Greenwood Genetic Center Diagnostic Laboratories, Greenwood Genetic Center
Classification: Likely pathogenic for PI4KA-related disorder. Last evaluated: 2022-08-25. Review status: criteria provided, single submitter. Criteria: ACMG Guidelines, 2015. Collection method: clinical testing. Allele origin: germline. Affected: yes.
Comment: PVS1 PM2